The following is an entry in ClinVar:

NM_000059.4(BRCA2):c.428C>G (p.Pro143Arg)

Gene: BRCA2 (BRCA2 DNA repair associated; plus strand). Cytogenetic location: 13q13.1.
Variant type: single nucleotide variant.
Coding change: c.428C>G on transcript NM_000059.4 (MANE Select); coding-DNA position 428, C replaced by G.
Protein change: p.Pro143Arg; replaces proline 143 with arginine.
Molecular consequence: missense variant.
Genome position (GRCh38, 1-based): chr13:32,326,103, C>G. VCF-style: chr13-32326103-C-G. GRCh37 (hg19) VCF-style: chr13-32900240-C-G.
Other names: p.P143R:CCT>CGT; short protein forms P143R.
Identifiers: ClinVar variation 142885 (VCV000142885.34), dbSNP rs587782795, ClinGen allele CA019922.
Genomic context (GRCh38, chr13:32,326,103, plus strand): 5'-AACTAGTTTTTGCCAGTTTTTTAAAATAACCTAAGGGATTTGCTTTGTTTTATTTTAGTC[C>G]TGTTGTTCTACAATGTACACATGTAACACCACAAAGAGATAAGTCAGGTATGATTAAAAA-3'
Protein context (NP_000050.3, residues 133-153): PLLNSCLSES[Pro143Arg]VVLQCTHVTP

ClinVar aggregate classification (germline): Conflicting classifications of pathogenicity. Review status: criteria provided, conflicting classifications (1 of 4 stars). 11 submissions from 11 submitters: Uncertain significance (9); Benign (1); Likely benign (1). Last evaluated 2026-01-31.

Conditions:
Familial cancer of breast. Also called: BREAST CANCER, FAMILIAL; hereditary breast carcinoma; Hereditary breast cancer. Identifiers: Orphanet 227535, MedGen C0346153, MONDO:0016419, OMIM 114480. Disease mechanism: loss of function.
Fanconi anemia complementation group D1. Also called: BRCA2-Related Fanconi Anemia. Identifiers: Orphanet 319462, MedGen C1838457, MONDO:0011584, OMIM 605724.
Medulloblastoma (MDB). Also called: Medulloblastoma, somatic; MEDULLOBLASTOMA PREDISPOSITION SYNDROME. Identifiers: Orphanet 616, MedGen C0025149, MeSH D008527, MONDO:0007959, OMIM 155255, HP:0002885.
Breast-ovarian cancer, familial, susceptibility to, 2 (BROVCA2). Also called: BRCA2 Hereditary Breast and Ovarian Cancer. Identifiers: Orphanet 145, MedGen C2675520, MONDO:0012933, OMIM 612555. Disease mechanism: loss of function.
Wilms tumor 1 (WT1). Also called: Wilms tumor, somatic. Identifiers: Orphanet 654, MedGen CN033288, MONDO:0008679, OMIM 194070.
Glioma susceptibility 3 (GLM3). Also called: Glioblastoma 3. Identifiers: Orphanet 182067, Orphanet 360, MedGen C2751641, MONDO:0013093, OMIM 613029.
Pancreatic cancer, susceptibility to, 2. Identifiers: Orphanet 1333, MedGen C3150546, MONDO:0013235, OMIM 613347.
Familial prostate cancer. Also called: Hereditary Prostate Cancer. Identifiers: MedGen C2931456, MONDO:0700275, OMIM 176807.
BRCA2-related cancer predisposition. Identifiers: MedGen CN377758, MONDO:0700269.
Hereditary cancer-predisposing syndrome. Also called: Neoplastic Syndromes, Hereditary; Hereditary neoplastic syndrome; Hereditary Cancer Syndrome; Tumor predisposition. Identifiers: Orphanet 140162, MedGen C0027672, MeSH D009386, MONDO:0015356.
Hereditary breast ovarian cancer syndrome. Also called: Breast and ovarian cancer; Hereditary breast and/or ovarian cancer syndrome; Hereditary breast and ovarian cancer syndrome; Hereditary breast and ovarian cancer syndrome (HBOC); Hereditary breast and ovarian cancer; BRCA1- and BRCA2-Associated Hereditary Breast and Ovarian Cancer. Identifiers: Orphanet 145, MedGen C0677776, MeSH D061325, MONDO:0003582. Disease mechanism: loss of function.

Allele frequency attached by ClinVar (database versions not stated): gnomAD 0.00001; gnomAD exomes 0.00001 and 0.00003; TOPMed 0.00001; ExAC 0.00002.
gnomAD v4.1: 12 of 1,608,288 alleles (0.00075%); highest among the groups gnomAD compares: Admixed American, 0.02%; no homozygotes.

Submissions (11):

Labcorp Genetics (formerly Invitae), Labcorp
Classification: Uncertain significance for Hereditary breast ovarian cancer syndrome. Last evaluated: 2026-01-31. Review status: criteria provided, single submitter. Criteria: Invitae Variant Classification Sherloc (09022015). Collection method: clinical testing. Allele origin: germline.
Comment: This sequence change replaces proline, which is neutral and non-polar, with arginine, which is basic and polar, at codon 143 of the BRCA2 protein (p.Pro143Arg). This variant is present in population databases (rs587782795, gnomAD 0.03%). This variant has not been reported in the literature in individuals affected with BRCA2-related conditions. ClinVar contains an entry for this variant (Variation ID: 142885). An algorithm developed to predict the effect of missense changes on protein structure and function (PolyPhen-2) suggests that this variant is likely to be disruptive. In summary, the available evidence is currently insufficient to determine the role of this variant in disease. Therefore, it has been classified as a Variant of Uncertain Significance.

Women's Health and Genetics/Laboratory Corporation of America, LabCorp
Classification: Uncertain significance. Last evaluated: 2025-08-28. Review status: criteria provided, single submitter. Criteria: LabCorp Variant Classification Summary - May 2015. Collection method: clinical testing. Allele origin: germline.
Comment: Variant summary: BRCA2 c.428C>G (p.Pro143Arg) results in a non-conservative amino acid change in the encoded protein sequence. Algorithms developed to predict the effect of missense changes on protein structure and function are either unavailable or do not agree on the potential impact of this missense change. Consensus agreement among computation tools predict no significant impact on normal splicing. However, these predictions have yet to be confirmed by functional studies. The variant allele was found at a frequency of 3.2e-05 in 250698 control chromosomes. The available data on variant occurrences in the general population are insufficient to allow any conclusion about variant significance. To our knowledge, no occurrence of c.428C>G in individuals affected with BRCA2-related conditions and no experimental evidence demonstrating its impact on protein function have been reported. ClinVar contains an entry for this variant (Variation ID: 142885). Based on the evidence outlined above, the variant was classified as uncertain significance.

Quest Diagnostics Nichols Institute San Juan Capistrano
Classification: Uncertain significance. Last evaluated: 2025-07-15. Review status: criteria provided, single submitter. Criteria: Quest Diagnostics criteria. Collection method: clinical testing. Allele origin: unknown.
Comment: The BRCA2 c.428C>G (p.Pro143Arg) variant has reported in the published literature in a family affected with breast, ovarian, pancreatic, and/or prostate cancer (PMID: 31853058 (2020)) and a reportedly unaffected individual (PMID: 30630528 (2019)). The frequency of this variant in the general population, 0.00028 (10/35318 chromosomes), is uninformative in assessment of its pathogenicity. Analysis of this variant using bioinformatics tools for the prediction of the effect of amino acid changes on protein structure and function yielded conflicting predictions that this variant is benign or damaging. Based on the available information, we are unable to determine the clinical significance of this variant.

Fulgent Genetics
Classification: Uncertain significance for Familial cancer of breast; Medulloblastoma; Familial prostate cancer; Wilms tumor 1; Fanconi anemia complementation group D1; Breast-ovarian cancer, familial, susceptibility to, 2; Glioma susceptibility 3; Pancreatic cancer, susceptibility to, 2. Last evaluated: 2024-06-07. Review status: criteria provided, single submitter. Criteria: ACMG Guidelines, 2015. Collection method: clinical testing. Allele origin: germline.

All of Us Research Program, National Institutes of Health
Classification: Uncertain significance for BRCA2-related cancer predisposition. Last evaluated: 2024-05-09. Review status: criteria provided, single submitter. Criteria: ACMG Guidelines, 2015. Collection method: clinical testing. Allele origin: germline. Inheritance: Autosomal dominant inheritance. Observed: 9 variant alleles, 9 heterozygotes.
Comment: This missense variant replaces proline with arginine at codon 143 of the BRCA2 protein. Computational prediction suggests that this variant may not impact protein structure and function (internally defined REVEL score threshold <= 0.5, PMID: 27666373). To our knowledge, functional studies have not been reported for this variant. This variant has been detected in individuals affected with BRCA2-associated cancers and relevant family history (Color internal data). This variant has been identified in 10/282048 chromosomes in the general population by the Genome Aggregation Database (gnomAD). The available evidence is insufficient to determine the role of this variant in disease conclusively. Therefore, this variant is classified as a Variant of Uncertain Significance.

This study involves interpretation of variants in research participants for the purpose of population health screening. Participant phenotype was not available at the time of variant classification. Additional details can be found in publication PMID: 35346344, PMCID: PMC8962531

Baylor Genetics
Classification: Uncertain significance for Familial cancer of breast. Last evaluated: 2024-02-10. Review status: criteria provided, single submitter. Criteria: ACMG Guidelines, 2015. Collection method: clinical testing. Allele origin: unknown.

Myriad Genetics, Inc.
Classification: Benign for Breast-ovarian cancer, familial, susceptibility to, 2. Last evaluated: 2023-06-13. Review status: criteria provided, single submitter. Criteria: Myriad Autosomal Dominant, Autosomal Recessive and X-Linked Classification Criteria (2023). Collection method: clinical testing. Allele origin: unknown.
Comment: This variant is considered benign. This variant is strongly associated with less severe personal and family histories of cancer, typical for individuals without pathogenic variants in this gene [PMID: 25085752]. This variant has been observed in trans with a known pathogenic variant in one or more individuals lacking clinical features consistent with gene-specific recessive disease.

Color Diagnostics, LLC DBA Color Health
Classification: Uncertain significance for Hereditary cancer-predisposing syndrome. Last evaluated: 2023-03-08. Review status: criteria provided, single submitter. Criteria: ACMG Guidelines, 2015. Collection method: clinical testing. Allele origin: germline.
Comment: This missense variant replaces proline with arginine at codon 143 of the BRCA2 protein. Computational prediction suggests that this variant may not impact protein structure and function (internally defined REVEL score threshold <= 0.5, PMID: 27666373). To our knowledge, functional studies have not been reported for this variant. This variant has been detected in individuals affected with BRCA2-associated cancers and relevant family history (Color internal data). This variant has been identified in 10/282048 chromosomes in the general population by the Genome Aggregation Database (gnomAD). The available evidence is insufficient to determine the role of this variant in disease conclusively. Therefore, this variant is classified as a Variant of Uncertain Significance.

Ambry Genetics
Classification: Likely benign for Hereditary cancer-predisposing syndrome. Last evaluated: 2022-09-13. Review status: criteria provided, single submitter. Criteria: Ambry Variant Classification Scheme 2023. Collection method: clinical testing. Allele origin: germline.

Sema4
Classification: Uncertain significance for Hereditary cancer-predisposing syndrome. Last evaluated: 2021-06-17. Review status: criteria provided, single submitter. Criteria: Sema4 Curation Guidelines. Collection method: curation. Allele origin: germline.
Comment: The BRCA2 c.428C>G (p.P143R) variant has not been reported in literature to our knowledge. This variant was observed in 10/35318 chromosomes in the Latino population, according to the Genome Aggregation Database (PMID: 32461654). This variant has been reported in ClinVar (Variation ID 142885). In silico tools suggest the impact of the variant on protein function is inconclusive, though these predictions have not been confirmed by functional studies. The overall evidence is insufficient to meet ACMG/AMP criteria for classifying it as benign or pathogenic. In summary, the clinical significance of this variant is currently uncertain.

GeneDx
Classification: Uncertain significance. Last evaluated: 2019-11-20. Review status: criteria provided, single submitter. Criteria: GeneDx Variant Classification Process June 2021. Collection method: clinical testing. Allele origin: germline. Affected: yes.
Comment: In silico analysis, which includes protein predictors and evolutionary conservation, supports that this variant does not alter protein structure/function; Has not been previously published as pathogenic or benign to our knowledge; Also known as 656C>G

Literature cited by the submitters: PubMed 30630528 (cited by Quest Diagnostics Nichols Institute San Juan Capistrano and Ambry Genetics); PubMed 31853058 (cited by Quest Diagnostics Nichols Institute San Juan Capistrano); PubMed 26295337 (cited by Quest Diagnostics Nichols Institute San Juan Capistrano); PubMed 25085752 (cited by Myriad Genetics, Inc.).